The following is an entry in ClinVar:

NM_015311.3(OBSL1):c.-208G>C

Gene: OBSL1 (obscurin like cytoskeletal adaptor 1; minus strand). Cytogenetic location: 2q35.
Variant type: single nucleotide variant.
Coding change: c.-208G>C on transcript NM_015311.3 (MANE Select); 208 bases upstream of the start codon, G replaced by C.
Molecular consequence: 5 prime UTR variant.
Genome position (GRCh38, 1-based): chr2:219,571,440, C>G on the plus strand (G>C on the coding strand, the complement: OBSL1 is on the minus strand). VCF-style: chr2-219571440-C-G. GRCh37 (hg19) VCF-style: chr2-220436162-C-G.
Other names: c.-208G>C (NM_001173408.2, NM_001173431.2).
Identifiers: ClinVar variation 334549 (VCV000334549.6), dbSNP rs567328066, ClinGen allele CA10612541.

ClinVar aggregate classification (germline): Benign. Review status: criteria provided, multiple submitters, no conflicts (2 of 4 stars). 2 submissions from 2 submitters: Benign (2). Last evaluated 2018-01-13.

Conditions:
3M syndrome 2. Also called: 3-M Syndrome, OBSL1-Related; THREE M SYNDROME 2. Identifiers: Orphanet 2616, MedGen C2752041, MONDO:0013039, OMIM 612921.

Allele frequency attached by ClinVar (database versions not stated): TOPMed 0.00685; 1000 Genomes Project 30x 0.00765; 1000 Genomes Project 0.00779; gnomAD exomes 0.00974.

Submissions (2):

Illumina Laboratory Services, Illumina
Classification: Benign for 3M syndrome 2. Last evaluated: 2018-01-13. Review status: criteria provided, single submitter. Criteria: ICSL Variant Classification Criteria 13 December 2019. Collection method: clinical testing. Allele origin: germline.
Comment: This variant was observed in the ICSL laboratory as part of a predisposition screen in an ostensibly healthy population. It had not been previously curated by ICSL or reported in the Human Gene Mutation Database (HGMD: prior to June 1st, 2018), and was therefore a candidate for classification through an automated scoring system. Utilizing variant allele frequency, disease prevalence and penetrance estimates, and inheritance mode, an automated score was calculated to assess if this variant is too frequent to cause the disease. Based on the score and internal cut-off values, a variant classified as benign is not then subjected to further curation. The score for this variant resulted in a classification of benign for this disease.

Breakthrough Genomics
Classification: Benign. Review status: criteria provided, single submitter. Criteria: ACMG Guidelines, 2015. Collection method: not provided. Allele origin: germline. Inheritance: Autosomal recessive inheritance. Affected: yes.